The following is an entry in ClinVar:

ClinVar aggregate classification (germline): Uncertain significance (1 of 4 stars; one submission).

Conditions:
UNC13A-related disorder. Also called: UNC13A-related condition.

Submission:

PreventionGenetics, part of Exact Sciences
Classification: Uncertain significance for UNC13A-related condition. Last evaluated: 2026-03-26. Review status: criteria provided, single submitter. Criteria: ACMG Guidelines, 2015. Collection method: clinical testing. Allele origin: germline.
Comment: The UNC13A c.4954T>A variant is predicted to result in the amino acid substitution p.Trp1652Arg. To our knowledge, this variant has not been reported in the literature or in a large population database (gnomAD), indicating this variant is rare. At this time, the clinical significance of this variant is uncertain due to the absence of conclusive functional and genetic evidence.

NM_001080421.3(UNC13A):c.4954T>A (p.Trp1652Arg)

Gene: UNC13A (unc-13 homolog A; minus strand). Cytogenetic location: 19p13.11.
Variant type: single nucleotide variant.
Coding change: c.4954T>A on transcript NM_001080421.3 (MANE Select); coding-DNA position 4954, T replaced by A.
Protein change: p.Trp1652Arg; replaces tryptophan 1652 with arginine.
Molecular consequence: missense variant.
Genome position (GRCh38, 1-based): chr19:17,606,212, A>T on the plus strand (T>A on the coding strand, the complement: UNC13A is on the minus strand). VCF-style: chr19-17606212-A-T. GRCh37 (hg19) VCF-style: chr19-17717021-A-T.
Other names: c.4942T>A, p.Trp1648Arg (NM_001387021.1); c.4939T>A, p.Trp1647Arg (NM_001387022.1); c.4873T>A, p.Trp1625Arg (NM_001387023.1); short protein forms W1625R, W1648R, W1647R, W1652R.
Identifiers: ClinVar variation 4994681 (VCV004994681.1).
Genomic context (GRCh38, chr19:17,606,212, plus strand): 5'-GGATTCGCAGCACCGTGAGGCCCGTGTCGTCCATGTGGATGCGGCGGCCGAGCGGCAGCC[A>T]GCAGGCGGCGCTCCCGCGCTGGGCCAGCTCACGCAGCTGCAGCACGGCCAGCCCCACCGT-3'
Protein context (NP_001073890.2, residues 1642-1662): ELAQRGSAAC[Trp1652Arg]LPLGRRIHMD